The following is an entry in ClinVar:

NM_000443.4(ABCB4):c.2556C>A (p.Tyr852Ter)

Gene: ABCB4 (ATP binding cassette subfamily B member 4; minus strand). Cytogenetic location: 7q21.12.
Variant type: single nucleotide variant.
Coding change: c.2556C>A on transcript NM_000443.4 (MANE Select); coding-DNA position 2556, C replaced by A.
Protein change: p.Tyr852Ter; replaces tyrosine 852 with a stop codon.
Molecular consequence: nonsense.
Genome position (GRCh38, 1-based): chr7:87,417,438, G>T on the plus strand (C>A on the coding strand, the complement: ABCB4 is on the minus strand). VCF-style: chr7-87417438-G-T. GRCh37 (hg19) VCF-style: chr7-87046754-G-T.
Other names: c.2556C>A, p.Tyr852Ter (NM_018849.3, NM_018850.3); short protein forms Y852*.
Identifiers: ClinVar variation 812979 (VCV000812979.3), dbSNP rs533310204, ClinGen allele CA368061443.
Genomic context (GRCh38, chr7:87,417,438, plus strand): 5'-AATTCCTGACACAGCAATAATTGGAACAACTGCTAATAGCAATAGGGTTAACTGCCAACC[G>T]TAGATAAATGATATGATAATACCAGTTCCAAGGTTAGCTATATTCTGTGCAATTAAAGCC-3'

ClinVar aggregate classification (germline): Pathogenic. Review status: criteria provided, single submitter (1 of 4 stars). 2 submissions from 2 submitters: Pathogenic (1). 1 of the submissions does not count toward it. Last evaluated 2026-04-14.

Conditions:
Familial intrahepatic cholestasis. Identifiers: Orphanet 284385, MedGen CN296401, MONDO:0017290.
Cholestasis, intrahepatic, of pregnancy, 3. Identifiers: Orphanet 69665, MedGen C3554241, MONDO:0013995, OMIM 614972.

gnomAD v4.1: 1 of 1,614,068 alleles (0.000062%); highest among the groups gnomAD compares: Non-Finnish European, 0.000085%; no homozygotes.

Submissions (2):

Genomenon, Inc
Classification: Pathogenic for Familial intrahepatic cholestasis. Last evaluated: 2026-04-14. Review status: criteria provided, single submitter. Criteria: Genomenon Sequence Variant Interpretation Standards - Updated. Collection method: curation. Allele origin: germline. Affected: yes.
Comment: ABCB4 p.Tyr852Ter (c.2556C>A) is a nonsense variant that introduces a premature stop codon at amino acid position 852, creating a truncated protein that is predicted to undergo nonsense-mediated mRNA decay. This variant has been observed in at least one proband with an ABCB4-related disorder (PMID:32581362). It is absent or not present at a significant frequency in gnomAD. In conclusion, we classify ABCB4 p.Tyr852Ter (c.2556C>A) as a pathogenic variant.

NIHR Bioresource Rare Diseases, University of Cambridge
Classification: Likely pathogenic for Cholestasis, intrahepatic, of pregnancy, 3. Review status: no assertion criteria provided. Collection method: research. Allele origin: unknown. Affected: yes. Observed: 1 variant allele. Not counted in ClinVar's aggregate classification.

Literature cited by the submitters: PubMed 32581362 (cited by Genomenon, Inc and NIHR Bioresource Rare Diseases, University of Cambridge).